The following is an entry in ClinVar:

NM_001039591.3(USP9X):c.5882A>G (p.Gln1961Arg)

Gene: USP9X (ubiquitin specific peptidase 9 X-linked; plus strand). Cytogenetic location: Xp11.4.
Variant type: single nucleotide variant.
Coding change: c.5882A>G on transcript NM_001039591.3 (MANE Select); coding-DNA position 5882, A replaced by G.
Protein change: p.Gln1961Arg; replaces glutamine 1961 with arginine.
Molecular consequence: missense variant.
Genome position (GRCh38, 1-based): chrX:41,216,449, A>G. VCF-style: chrX-41216449-A-G. GRCh37 (hg19) VCF-style: chrX-41075702-A-G.
Other names: c.5882A>G, p.Gln1961Arg (NM_001039590.3); c.5897A>G, p.Gln1966Arg (NM_001410748.1, NM_001410749.1); short protein forms Q1966R, Q1961R.
Identifiers: ClinVar variation 2865248 (VCV002865248.3), dbSNP rs2519372022, ClinGen allele CA412794261.

ClinVar aggregate classification (germline): Uncertain significance (1 of 4 stars; one submission).

Submission:

Labcorp Genetics (formerly Invitae), Labcorp
Classification: Uncertain significance. Last evaluated: 2025-08-11. Review status: criteria provided, single submitter. Criteria: Invitae Variant Classification Sherloc (09022015). Collection method: clinical testing. Allele origin: germline.
Comment: This sequence change replaces glutamine, which is neutral and polar, with arginine, which is basic and polar, at codon 1961 of the USP9X protein (p.Gln1961Arg). This variant is not present in population databases (gnomAD no frequency). This variant has not been reported in the literature in individuals affected with USP9X-related conditions. ClinVar contains an entry for this variant (Variation ID: 2865248). An algorithm developed to predict the effect of missense changes on protein structure and function (PolyPhen-2) suggests that this variant is likely to be tolerated. In summary, the available evidence is currently insufficient to determine the role of this variant in disease. Therefore, it has been classified as a Variant of Uncertain Significance.